The following is an entry in ClinVar:

ClinVar aggregate classification (germline): Uncertain significance (1 of 4 stars; one submission).

Submission:

Labcorp Genetics (formerly Invitae), Labcorp
Classification: Uncertain significance. Last evaluated: 2021-08-31. Review status: criteria provided, single submitter. Criteria: Invitae Variant Classification Sherloc (09022015). Collection method: clinical testing. Allele origin: germline.
Comment: This sequence change replaces isoleucine with phenylalanine at codon 469 of the CFB protein (p.Ile469Phe). The isoleucine residue is highly conserved and there is a small physicochemical difference between isoleucine and phenylalanine. In summary, the available evidence is currently insufficient to determine the role of this variant in disease. Therefore, it has been classified as a Variant of Uncertain Significance. Algorithms developed to predict the effect of missense changes on protein structure and function are either unavailable or do not agree on the potential impact of this missense change (SIFT: "Deleterious"; PolyPhen-2: "Possibly Damaging"; Align-GVGD: "Class C0"). This variant has not been reported in the literature in individuals affected with CFB-related conditions. This variant is not present in population databases (ExAC no frequency).

NM_001710.6(CFB):c.1405A>T (p.Ile469Phe)

Gene: CFB (complement factor B; plus strand). Cytogenetic location: 6p21.33.
Variant type: single nucleotide variant.
Coding change: c.1405A>T on transcript NM_001710.6 (MANE Select); coding-DNA position 1405, A replaced by T.
Protein change: p.Ile469Phe; replaces isoleucine 469 with phenylalanine.
Molecular consequence: missense variant.
Genome position (GRCh38, 1-based): chr6:31,949,554, A>T. VCF-style: chr6-31949554-A-T. GRCh37 (hg19) VCF-style: chr6-31917331-A-T.
Other names: short protein forms I469F.
Identifiers: ClinVar variation 1442068 (VCV001442068.6), dbSNP rs2151785423, ClinGen allele CA363404297.